The following is an entry in ClinVar:

NM_000439.5(PCSK1):c.2040G>A (p.Pro680=)

Genes: CAST (calpastatin; plus strand), PCSK1 (proprotein convertase subtilisin/kexin type 1; minus strand), LOC101929710 (uncharacterized LOC101929710; plus strand). Cytogenetic location: 5q15.
Variant type: single nucleotide variant.
Coding change: c.2040G>A on transcript NM_000439.5 (MANE Select); coding-DNA position 2040, G replaced by A.
Protein change: p.Pro680=; no amino-acid change (proline 680 retained).
Molecular consequence: synonymous variant. On other transcripts: intron variant (11).
Genome position (GRCh38, 1-based): chr5:96,393,223, C>T on the plus strand (G>A on the coding strand, the complement: PCSK1 is on the minus strand). VCF-style: chr5-96393223-C-T. GRCh37 (hg19) VCF-style: chr5-95728927-C-T.
Other names: c.1899G>A, p.Pro633= (NM_001177875.2); c.-175+13571C>T (NM_001423254.1, NM_001423259.1, NM_001423255.1 and 6 more transcripts); c.-103+13571C>T (NM_001423253.1); c.-40+13571C>T (NM_001423258.1).
Identifiers: ClinVar variation 3351000 (VCV003351000.1).

ClinVar aggregate classification (germline): Likely benign (0 of 4 stars; one submission).

Conditions:
PCSK1-related disorder. Also called: PCSK1-related condition.

gnomAD v4.1: 14 of 1,613,970 alleles (0.00087%); highest among the groups gnomAD compares: East Asian, 0.0067%; no homozygotes.

Submission:

PreventionGenetics, part of Exact Sciences
Classification: Likely benign for PCSK1-related condition. Last evaluated: 2022-03-18. Review status: no assertion criteria provided. Collection method: clinical testing. Allele origin: germline.
Comment: This variant is classified as likely benign based on ACMG/AMP sequence variant interpretation guidelines (Richards et al. 2015 PMID: 25741868, with internal and published modifications).